The following is an entry in ClinVar:

NM_001330700.2(TOP2B):c.4715C>T (p.Pro1572Leu)

Gene: TOP2B (DNA topoisomerase II beta; minus strand). Cytogenetic location: 3p24.2.
Variant type: single nucleotide variant.
Coding change: c.4715C>T on transcript NM_001330700.2 (MANE Select); coding-DNA position 4715, C replaced by T.
Protein change: p.Pro1572Leu; replaces proline 1572 with leucine.
Molecular consequence: missense variant.
Genome position (GRCh38, 1-based): chr3:25,598,473, G>A on the plus strand (C>T on the coding strand, the complement: TOP2B is on the minus strand). VCF-style: chr3-25598473-G-A. GRCh37 (hg19) VCF-style: chr3-25639964-G-A.
Other names: c.4700C>T, p.Pro1567Leu (NM_001068.3); short protein forms P1567L, P1572L.
Identifiers: ClinVar variation 1165419 (VCV001165419.34), dbSNP rs62638670, ClinGen allele CA2287987.
Genomic context (GRCh38, chr3:25,598,473, plus strand): 5'-GTAGGGAAGTCTGAGGGGAAGATGTCCACATCTGAATCCTGATCAAAAGATGTCTTCTTC[G>A]GTTTCTAGATTTTTTTTCAATAGATTTAAAAGTTATGAAAGGAAGTAAAGACTAGTATTA-3'
Protein context (NP_001317629.1, residues 1562-1582): RKTSKTTSKK[Pro1572Leu]KKTSFDQDSD

ClinVar aggregate classification (germline): Benign/Likely benign. Review status: criteria provided, multiple submitters, no conflicts (2 of 4 stars). 5 submissions from 5 submitters: Benign (3); Likely benign (2). Last evaluated 2026-01-26.

Conditions:
B-cell immunodeficiency, distal limb anomalies, and urogenital malformations. Also called: BILU SYNDROME; HOFFMAN SYNDROME. Identifiers: Orphanet 567502, MedGen C1836437, MONDO:0012243, OMIM 609296.

Allele frequency attached by ClinVar (database versions not stated): 1000 Genomes Project 30x 0.00016; 1000 Genomes Project 0.00020; gnomAD exomes 0.00109 and 0.00198; TOPMed 0.00124; gnomAD 0.00141 and 0.00147; ESP Exome Variant Server 0.00144; ExAC 0.00199.
gnomAD v4.1: 1,721 of 1,555,934 alleles (0.11%); highest among the groups gnomAD compares: Admixed American, 0.29%; 2 homozygotes.

Submissions (5):

Labcorp Genetics (formerly Invitae), Labcorp
Classification: Benign. Last evaluated: 2026-01-26. Review status: criteria provided, single submitter. Criteria: Invitae Variant Classification Sherloc (09022015). Collection method: clinical testing. Allele origin: germline.

CeGaT Center for Human Genetics Tuebingen
Classification: Benign. Last evaluated: 2025-08-01. Review status: criteria provided, single submitter. Criteria: CeGaT Center For Human Genetics Tuebingen Variant Classification Criteria Version 2. Collection method: clinical testing. Allele origin: germline. Affected: yes. Observed: 3 variant alleles.
Comment: TOP2B: BP4, BS1, BS2

Blueprint Genetics
Classification: Likely benign. Last evaluated: 2024-11-19. Review status: criteria provided, single submitter. Criteria: ACMG Guidelines, 2015. Collection method: clinical testing. Allele origin: germline.

Fulgent Genetics
Classification: Likely benign for B-cell immunodeficiency, distal limb anomalies, and urogenital malformations. Last evaluated: 2022-03-10. Review status: criteria provided, single submitter. Criteria: ACMG Guidelines, 2015. Collection method: clinical testing. Allele origin: unknown.

Breakthrough Genomics
Classification: Benign. Review status: criteria provided, single submitter. Criteria: ACMG Guidelines, 2015. Collection method: not provided. Allele origin: germline. Inheritance: Autosomal dominant inheritance. Affected: yes.